The following is an entry in ClinVar:

ClinVar aggregate classification (germline): Uncertain significance. Review status: criteria provided, multiple submitters, no conflicts (2 of 4 stars). 3 submissions from 3 submitters: Uncertain significance (3). Last evaluated 2025-03-24.

Conditions:
Hereditary cancer-predisposing syndrome. Also called: Hereditary neoplastic syndrome; Tumor predisposition; Neoplastic Syndromes, Hereditary; Hereditary Cancer Syndrome. Identifiers: Orphanet 140162, MedGen C0027672, MeSH D009386, MONDO:0015356.
Oligodontia-cancer predisposition syndrome. Also called: TOOTH AGENESIS-COLORECTAL CANCER SYNDROME. Identifiers: Orphanet 300576, MedGen C1837750, MONDO:0012075, OMIM 608615. Disease mechanism: loss of function.

Allele frequency attached by ClinVar (database versions not stated): gnomAD 0.00001; TOPMed 0.00001.
gnomAD v4.1: 3 of 1,614,088 alleles (0.00019%); highest among the groups gnomAD compares: East Asian, 0.0022%; no homozygotes.

Submissions (3):

Ambry Genetics
Classification: Uncertain significance for Hereditary cancer-predisposing syndrome. Last evaluated: 2025-03-24. Review status: criteria provided, single submitter. Criteria: Ambry Variant Classification Scheme 2023. Collection method: clinical testing. Allele origin: germline.
Comment: The p.T264A variant (also known as c.790A>G), located in coding exon 1 of the AXIN2 gene, results from an A to G substitution at nucleotide position 790. The threonine at codon 264 is replaced by alanine, an amino acid with similar properties. This amino acid position is conserved. In addition, this alteration is predicted to be tolerated by in silico analysis. Based on the available evidence, the clinical significance of this variant remains unclear.

Labcorp Genetics (formerly Invitae), Labcorp
Classification: Uncertain significance for Oligodontia-cancer predisposition syndrome. Last evaluated: 2025-01-26. Review status: criteria provided, single submitter. Criteria: Invitae Variant Classification Sherloc (09022015). Collection method: clinical testing. Allele origin: germline.
Comment: This sequence change replaces threonine, which is neutral and polar, with alanine, which is neutral and non-polar, at codon 264 of the AXIN2 protein (p.Thr264Ala). This variant is not present in population databases (gnomAD no frequency). This variant has not been reported in the literature in individuals affected with AXIN2-related conditions. ClinVar contains an entry for this variant (Variation ID: 421053). Invitae Evidence Modeling of protein sequence and biophysical properties (such as structural, functional, and spatial information, amino acid conservation, physicochemical variation, residue mobility, and thermodynamic stability) indicates that this missense variant is not expected to disrupt AXIN2 protein function with a negative predictive value of 80%. In summary, the available evidence is currently insufficient to determine the role of this variant in disease. Therefore, it has been classified as a Variant of Uncertain Significance.

GeneDx
Classification: Uncertain significance. Last evaluated: 2016-04-29. Review status: criteria provided, single submitter. Criteria: GeneDx Variant Classification (06012015). Collection method: clinical testing. Allele origin: germline. Affected: yes.
Comment: This variant is denoted AXIN2 c.790A>G at the cDNA level, p.Thr264Ala (T264A) at the protein level, and results in the change of a Threonine to an Alanine (ACG>GCG). This variant has not, to our knowledge, been published in the literature as pathogenic or benign. AXIN2 Thr264Ala was not observed in approximately 6,500 individuals of European and African American ancestry in the NHLBI Exome Sequencing Project, suggesting it is not a common benign variant in these populations. Since Threonine and Alanine differ in polarity, charge, size or other properties, this is considered a non-conservative amino acid substitution. AXIN2 Thr264Ala occurs at a position that is not conserved and is not located in a known functional domain (Hughes 2007). In silico analyses predict that this variant is unlikely to alter protein structure or function. Based on currently available evidence, it is unclear whether AXIN2 Thr264Ala is a pathogenic or benign variant. We consider it to be a variant of uncertain significance.

NM_004655.4(AXIN2):c.790A>G (p.Thr264Ala)

Gene: AXIN2 (axin 2; minus strand). Cytogenetic location: 17q24.1.
Variant type: single nucleotide variant.
Coding change: c.790A>G on transcript NM_004655.4 (MANE Select); coding-DNA position 790, A replaced by G.
Protein change: p.Thr264Ala; replaces threonine 264 with alanine.
Molecular consequence: missense variant.
Genome position (GRCh38, 1-based): chr17:65,557,831, T>C on the plus strand (A>G on the coding strand, the complement: AXIN2 is on the minus strand). VCF-style: chr17-65557831-T-C. GRCh37 (hg19) VCF-style: chr17-63553949-T-C.
Other names: c.790A>G, p.Thr264Ala (NM_001363813.1); c.790A>G (LRG_296t1); short protein forms T264A.
Identifiers: ClinVar variation 421053 (VCV000421053.10), dbSNP rs1064794876, ClinGen allele CA16620576.